The following is an entry in ClinVar:

NM_005751.5(AKAP9):c.845A>G (p.His282Arg)

Gene: AKAP9 (A-kinase anchoring protein 9; plus strand). Cytogenetic location: 7q21.2.
Variant type: single nucleotide variant.
Coding change: c.845A>G on transcript NM_005751.5 (MANE Select); coding-DNA position 845, A replaced by G.
Protein change: p.His282Arg; replaces histidine 282 with arginine.
Molecular consequence: missense variant.
Genome position (GRCh38, 1-based): chr7:91,995,715, A>G. VCF-style: chr7-91995715-A-G. GRCh37 (hg19) VCF-style: chr7-91625029-A-G.
Other names: c.845A>G (NM_005751.4); c.845A>G, p.His282Arg (NM_147185.3); short protein forms H282R.
Identifiers: ClinVar variation 1411166 (VCV001411166.7), dbSNP rs762460761, ClinGen allele CA368120353.
Genomic context (GRCh38, chr7:91,995,715, plus strand): 5'-ACTTACTACAAGCCAAACAACAGATCCTCACTCATCAACAGCAGCTTGAAGAACAAGACC[A>G]CTTATTAGAAGATTATCAGAAAAAGAAAGAAGACTTCACAATGCAAATTAGTTTCTTGCA-3'
Protein context (NP_005742.4, residues 272-292): THQQQLEEQD[His282Arg]LLEDYQKKKE

ClinVar aggregate classification (germline): Uncertain significance. Review status: criteria provided, multiple submitters, no conflicts (2 of 4 stars). 2 submissions from 2 submitters: Uncertain significance (2). Last evaluated 2023-01-17.

Conditions:
Cardiovascular phenotype. Identifiers: MedGen CN230736.
Long QT syndrome (LQTS). Identifiers: MedGen C0023976, MeSH D008133, MONDO:0002442. Disease mechanism: loss of function. Inheritance: Various modes of inheritance.

Submissions (2):

Ambry Genetics
Classification: Uncertain significance for Cardiovascular phenotype. Last evaluated: 2023-01-17. Review status: criteria provided, single submitter. Criteria: Ambry Variant Classification Scheme 2023. Collection method: clinical testing. Allele origin: germline.

Labcorp Genetics (formerly Invitae), Labcorp
Classification: Uncertain significance for Long QT syndrome. Last evaluated: 2021-08-20. Review status: criteria provided, single submitter. Criteria: Invitae Variant Classification Sherloc (09022015). Collection method: clinical testing. Allele origin: germline.
Comment: In summary, the available evidence is currently insufficient to determine the role of this variant in disease. Therefore, it has been classified as a Variant of Uncertain Significance. Algorithms developed to predict the effect of missense changes on protein structure and function output the following: SIFT: "Tolerated"; PolyPhen-2: "Benign"; Align-GVGD: "Class C0". The arginine amino acid residue is found in multiple mammalian species, which suggests that this missense change does not adversely affect protein function. This variant has not been reported in the literature in individuals affected with AKAP9-related conditions. This variant is not present in population databases (ExAC no frequency). This sequence change replaces histidine with arginine at codon 282 of the AKAP9 protein (p.His282Arg). The histidine residue is weakly conserved and there is a small physicochemical difference between histidine and arginine.